The following is an entry in ClinVar:

ClinVar aggregate classification (germline): Uncertain significance (1 of 4 stars; one submission).

Conditions:
Purine-nucleoside phosphorylase deficiency. Also called: NUCLEOSIDE PHOSPHORYLASE DEFICIENCY; Immunodeficiency due to purine nucleoside phosphorylase deficiency. Identifiers: Orphanet 760, MedGen C0268125, MONDO:0013171, OMIM 613179.

Allele frequency attached by ClinVar (database versions not stated): gnomAD 0.00001; TOPMed 0.00002; ESP Exome Variant Server 0.00008.
gnomAD v4.1: 42 of 1,614,066 alleles (0.0026%); highest among the groups gnomAD compares: Middle Eastern, 0.016%; no homozygotes.

Submission:

Labcorp Genetics (formerly Invitae), Labcorp
Classification: Uncertain significance for Purine-nucleoside phosphorylase deficiency. Last evaluated: 2024-02-24. Review status: criteria provided, single submitter. Criteria: Invitae Variant Classification Sherloc (09022015). Collection method: clinical testing. Allele origin: germline.
Comment: This sequence change replaces arginine, which is basic and polar, with cysteine, which is neutral and slightly polar, at codon 185 of the PNP protein (p.Arg185Cys). This variant is present in population databases (rs373569964, gnomAD 0.006%). This variant has not been reported in the literature in individuals affected with PNP-related conditions. ClinVar contains an entry for this variant (Variation ID: 651865). An algorithm developed to predict the effect of missense changes on protein structure and function (PolyPhen-2) suggests that this variant is likely to be disruptive. In summary, the available evidence is currently insufficient to determine the role of this variant in disease. Therefore, it has been classified as a Variant of Uncertain Significance.

NM_000270.4(PNP):c.553C>T (p.Arg185Cys)

Gene: PNP (purine nucleoside phosphorylase; plus strand). Cytogenetic location: 14q11.2.
Variant type: single nucleotide variant.
Coding change: c.553C>T on transcript NM_000270.4 (MANE Select); coding-DNA position 553, C replaced by T.
Protein change: p.Arg185Cys; replaces arginine 185 with cysteine.
Molecular consequence: missense variant.
Genome position (GRCh38, 1-based): chr14:20,475,153, C>T. VCF-style: chr14-20475153-C-T. GRCh37 (hg19) VCF-style: chr14-20943312-C-T.
Other names: short protein forms R185C.
Identifiers: ClinVar variation 651865 (VCV000651865.7), dbSNP rs373569964, ClinGen allele CA7082164.